The following is an entry in ClinVar:

NM_016203.4(PRKAG2):c.714G>A (p.Ala238=)

Genes: PRKAG2 (protein kinase AMP-activated non-catalytic subunit gamma 2; minus strand), LOC129999660 (ATAC-STARR-seq lymphoblastoid silent region 18823; plus strand). Cytogenetic location: 7q36.1.
Variant type: single nucleotide variant.
Coding change: c.714G>A on transcript NM_016203.4 (MANE Select); coding-DNA position 714, G replaced by A.
Protein change: p.Ala238=; no amino-acid change (alanine 238 retained).
Molecular consequence: synonymous variant. On other transcripts: 5 prime UTR variant (7), intron variant (3).
Genome position (GRCh38, 1-based): chr7:151,632,109, C>T on the plus strand (G>A on the coding strand, the complement: PRKAG2 is on the minus strand). VCF-style: chr7-151632109-C-T. GRCh37 (hg19) VCF-style: chr7-151329195-C-T.
Other names: c.-10G>A (NM_001407035.1, NM_001407036.1, NM_001407039.1 and 4 more transcripts); c.42G>A, p.Ala14= (NM_001407038.1); c.467-36658G>A (NM_001407031.1); c.467-36655G>A (NM_001407030.1); c.95-36658G>A (NM_001407037.1); c.582G>A, p.Ala194= (NM_001040633.2, NM_001407024.1, NM_001407026.1 and 1 more transcripts); c.342G>A, p.Ala114= (NM_001304527.2, NM_001363698.2, NM_001407028.1 and 1 more transcripts); c.714G>A, p.Ala238= (NM_001407021.1, NM_001407022.1, NM_001407023.1); and 3 more.
Identifiers: ClinVar variation 2579034 (VCV002579034.25), dbSNP rs1437570539, ClinGen allele CA458673146.
Genomic context (GRCh38, chr7:151,632,109, plus strand): 5'-AGCGGGCGGGGCGCACTCACCTTCGTCCTCGAACTCCAGCTTCTCCAGCATGCCGGCTTC[C>T]GCGGGTCCCAGGGCCGCCGCCAGCGCCGCCTGAGGGGGAGGAGGAGGACAGCGATCAGCA-3'
Protein context (NP_057287.2, residues 228-248): AAALAAALGP[Ala238=]EAGMLEKLEF

ClinVar aggregate classification (germline): Conflicting classifications of pathogenicity. Review status: criteria provided, conflicting classifications (1 of 4 stars). 2 submissions from 2 submitters: Uncertain significance (1); Likely benign (1). Last evaluated 2023-08-01.

Conditions:
PRKAG2-related disorder. Also called: PRKAG2-related condition; PRKAG2-related disorders.

Allele frequency attached by ClinVar (database versions not stated): TOPMed below 0.00001.
gnomAD v4.1: 3 of 1,415,012 alleles (0.00021%); highest among the groups gnomAD compares: Non-Finnish European, 0.00028%; no homozygotes.

Submissions (2):

CeGaT Center for Human Genetics Tuebingen
Classification: Likely benign. Last evaluated: 2023-08-01. Review status: criteria provided, single submitter. Criteria: CeGaT Center For Human Genetics Tuebingen Variant Classification Criteria Version 2. Collection method: clinical testing. Allele origin: germline. Affected: yes. Observed: 1 variant allele.
Comment: PRKAG2: BP4, BP7

PreventionGenetics, part of Exact Sciences
Classification: Uncertain significance for PRKAG2-related condition. Last evaluated: 2022-11-06. Review status: criteria provided, single submitter. Criteria: ACMG Guidelines, 2015. Collection method: clinical testing. Allele origin: germline.
Comment: The PRKAG2 c.714G>A variant is not predicted to result in an amino acid change (p.=). To our knowledge, this variant has not been reported in the literature. This variant is reported in 0.0013% of alleles in individuals of European (Non-Finnish) descent in gnomAD. At this time, the clinical significance of this variant is uncertain due to the absence of conclusive functional and genetic evidence.